The following continues an entry in ClinVar:

NM_000257.4(MYH7):c.4031G>A (p.Arg1344Gln)

Gene: MYH7. ClinVar aggregate classification (germline): Conflicting classifications of pathogenicity. Likely pathogenic (4); Uncertain significance (9).

Submissions 9 to 13 of 13:

Victorian Clinical Genetics Services, Murdoch Childrens Research Institute
Classification: Uncertain significance for Dilated cardiomyopathy 1S. Last evaluated: 2022-02-02. Review status: criteria provided, single submitter. Criteria: ACMG Guidelines, 2015. Collection method: clinical testing. Allele origin: germline. Inheritance: Autosomal dominant inheritance. Affected: yes.
Comment: Based on the classification scheme VCGS_Germline_v1.3.4, this variant is classified as VUS-3A. Following criteria are met: 0105 - The mechanism of disease for this gene is not clearly established, however, missense variants have been proposed to act in a dominant negative manner (PMID: 24714796). (I) 0108 - This gene is associated with both recessive and dominant disease. Pathogenic variants in this gene are usually heterozygous, however a recessive inheritance pattern has been observed in severe cases (OMIM). (I) 0112 - The condition associated with this gene has incomplete penetrance (PMID: 29300372). (I) 0200 - Variant is predicted to result in a missense amino acid change from arginine to glutamine. (I) 0251 - This variant is heterozygous. (I) 0302 - Variant is present in gnomAD (v2) <0.001 for a dominant condition (4 heterozygotes, 0 homozygotes). (SP) 0309 - An alternative amino acid change at the same position has been observed in gnomAD (v2) (4 heterozygotes, 0 homozygotes). (I) 0501 - Missense variant consistently predicted to be damaging by multiple in silico tools or highly conserved with a major amino acid change. (SP) 0600 - Variant is located in the annotated myosin tail domain (DECIPHER). (I) 0710 - Another missense variant comparable to the one identified in this case has inconclusive previous evidence for pathogenicity. An alternative change to a tryptophan has been reported as VUS (ClinVar), and in DCM and HCM individuals (PMID: 22464770, 24503780, 27532257). (I) 0808 - Previous reports of pathogenicity for this variant are conflicting. This variant has been reported in multiple individuals with HCM (PMID: 24093860, 24793961, 25558701, 29030401) and in one individual who suffered a sudden explained death who also had another VUS in SCN10A (PMID: 31195250). It also has conflicting reports of VUS and likely pathogenic in ClinVar. (I) 0905 - No published segregation evidence has been identified for this variant. (I) 1007 - No published functional evidence has been identified for this variant. (I) 1208 - Inheritance information for this variant is not currently available in this individual. (I) Legend: (SP) - Supporting pathogenic, (I) - Information, (SB) - Supporting benign

AiLife Diagnostics
Classification: Uncertain significance. Last evaluated: 2021-10-06. Review status: criteria provided, single submitter. Criteria: ACMG Guidelines, 2015. Collection method: clinical testing. Allele origin: germline. Affected: yes. Observed: 1 variant allele.

Laboratory for Molecular Medicine, Mass General Brigham Personalized Medicine
Classification: Uncertain significance. Last evaluated: 2019-08-12. Review status: criteria provided, single submitter. Criteria: LMM Criteria. Collection method: clinical testing. Allele origin: germline. Inheritance: Autosomal dominant inheritance. Observed: 2 variant alleles.
Comment: The p.Arg1344Gln variant in MYH7 has been reported in at least 3 individuals with HCM (Marsiglia 2013, Bos 2014, Cirino 2017, LMM data). It was also identified in 4/282350 chromosomes by gnomAD and has been reported in ClinVar (Variation ID #208597). Computational prediction tools and conservation analyses suggest that this variant may impact the protein, though this information is not predictive enough to determine pathogenicity. In summary, the clinical significance of this variant is uncertain. ACMG/AMP Criteria applied: PM2, PS4_Supporting, PP3.

Stanford Center for Inherited Cardiovascular Disease, Stanford University
Classification: Likely pathogenic. Last evaluated: 2011-11-03. Review status: criteria provided, single submitter. Criteria: ACMG Guidelines, 2015. Collection method: provider interpretation. Allele origin: germline.

Laboratory of Genetics and Molecular Cardiology, University of São Paulo
Classification: Likely pathogenic for Hypertrophic cardiomyopathy 1. Review status: criteria provided, single submitter. Criteria: LGCM Criteria August 2015. Collection method: clinical testing. Allele origin: germline. Inheritance: Autosomal dominant inheritance. Affected: yes. Observed: 2 variant alleles. Study: Sarcomeric Human Cardiomyopathy Registry (ShaRe).

Literature cited by the submitters: PubMed 24093860 (cited by 8 submitters); PubMed 24793961 (cited by 7 submitters); PubMed 25558701 (cited by 8 submitters); PubMed 27247418 (cited by 5 submitters); PubMed 29030401 (cited by 7 submitters); PubMed 31195250 (cited by 4 submitters); PubMed 32528171 (cited by 4 submitters); PubMed 32894683 (cited by 4 submitters); PubMed 34853230 (cited by Color Diagnostics, LLC DBA Color Health and All of Us Research Program, National Institutes of Health); PubMed 22464770 (cited by Victorian Clinical Genetics Services, Murdoch Childrens Research Institute); PubMed 24503780 (cited by Victorian Clinical Genetics Services, Murdoch Childrens Research Institute); PubMed 24714796 (cited by Victorian Clinical Genetics Services, Murdoch Childrens Research Institute); PubMed 27532257 (cited by Victorian Clinical Genetics Services, Murdoch Childrens Research Institute); PubMed 29300372 (cited by Victorian Clinical Genetics Services, Murdoch Childrens Research Institute).